The following is an entry in ClinVar:

NM_000565.4(IL6R):c.143C>T (p.Pro48Leu)

Gene: IL6R (interleukin 6 receptor; plus strand). Cytogenetic location: 1q21.3.
Variant type: single nucleotide variant.
Coding change: c.143C>T on transcript NM_000565.4 (MANE Select); coding-DNA position 143, C replaced by T.
Protein change: p.Pro48Leu; replaces proline 48 with leucine.
Molecular consequence: missense variant. On other transcripts: intron variant (1).
Genome position (GRCh38, 1-based): chr1:154,429,253, C>T. VCF-style: chr1-154429253-C-T. GRCh37 (hg19) VCF-style: chr1-154401729-C-T.
Other names: c.143C>T, p.Pro48Leu (NM_001206866.2, NM_001382769.1, NM_001382770.1 and 4 more transcripts); c.126+17C>T (NM_001382774.1); short protein forms P48L.
Identifiers: ClinVar variation 2183530 (VCV002183530.4), dbSNP rs1322685978, ClinGen allele CA1128928.

ClinVar aggregate classification (germline): Uncertain significance (1 of 4 stars; one submission).

Allele frequency attached by ClinVar (database versions not stated): ExAC 0.00001; gnomAD 0.00001; gnomAD exomes 0.00001; TOPMed 0.00001.
gnomAD v4.1: 17 of 1,613,970 alleles (0.0011%); highest among the groups gnomAD compares: South Asian, 0.0044%; no homozygotes.

Submission:

Labcorp Genetics (formerly Invitae), Labcorp
Classification: Uncertain significance. Last evaluated: 2023-12-07. Review status: criteria provided, single submitter. Criteria: Invitae Variant Classification Sherloc (09022015). Collection method: clinical testing. Allele origin: germline.
Comment: This sequence change replaces proline, which is neutral and non-polar, with leucine, which is neutral and non-polar, at codon 48 of the IL6R protein (p.Pro48Leu). This variant is present in population databases (no rsID available, gnomAD 0.003%). This variant has not been reported in the literature in individuals affected with IL6R-related conditions. ClinVar contains an entry for this variant (Variation ID: 2183530). Algorithms developed to predict the effect of missense changes on protein structure and function output the following: SIFT: "Not Available"; PolyPhen-2: "Benign"; Align-GVGD: "Not Available". The leucine amino acid residue is found in multiple mammalian species, which suggests that this missense change does not adversely affect protein function. In summary, the available evidence is currently insufficient to determine the role of this variant in disease. Therefore, it has been classified as a Variant of Uncertain Significance.